The following is an entry in ClinVar:

ClinVar aggregate classification (germline): Conflicting classifications of pathogenicity. Review status: criteria provided, conflicting classifications (1 of 4 stars). 3 submissions from 3 submitters: Pathogenic (1); Uncertain significance (2). Last evaluated 2025-09-10.

Conditions:
Axenfeld-Rieger syndrome type 3 (RIEG3). Also called: AXENFELD-RIEGER ANOMALY WITH CARDIAC DEFECTS AND/OR SENSORINEURAL HEARING LOSS. Identifiers: Orphanet 782, MedGen C2678503, MONDO:0011233, OMIM 602482.

Submissions (3):

Genomic Medicine Center of Excellence, King Faisal Specialist Hospital and Research Centre
Classification: Uncertain significance for Axenfeld-Rieger syndrome type 3. Last evaluated: 2025-09-10. Review status: criteria provided, single submitter. Criteria: ACMG Guidelines, 2015. Collection method: clinical testing. Allele origin: germline.

Laboratory of Genetics, Children's Clinical University Hospital Latvia
Classification: Pathogenic. Last evaluated: 2025-02-16. Review status: criteria provided, single submitter. Criteria: ACMG Guidelines, 2015. Collection method: clinical testing. Allele origin: germline. Affected: yes.

Labcorp Genetics (formerly Invitae), Labcorp
Classification: Uncertain significance for Axenfeld-Rieger syndrome type 3. Last evaluated: 2023-07-07. Review status: criteria provided, single submitter. Criteria: Invitae Variant Classification Sherloc (09022015). Collection method: clinical testing. Allele origin: germline.
Comment: This sequence change replaces glycine, which is neutral and non-polar, with arginine, which is basic and polar, at codon 165 of the FOXC1 protein (p.Gly165Arg). This variant is not present in population databases (gnomAD no frequency). In summary, the available evidence is currently insufficient to determine the role of this variant in disease. Therefore, it has been classified as a Variant of Uncertain Significance. Experimental studies have shown that this missense change affects FOXC1 function (PMID: 15277473, 34551306). An algorithm developed to predict the effect of missense changes on protein structure and function (PolyPhen-2) suggests that this variant is likely to be disruptive. This missense change has been observed in individuals with clinical features of Axenfeld-Rieger syndrome (PMID: 15277473; Invitae).

Literature cited by the submitters: PubMed 15277473 (cited by Labcorp Genetics (formerly Invitae), Labcorp); PubMed 34551306 (cited by Labcorp Genetics (formerly Invitae), Labcorp).

NM_001453.3(FOXC1):c.493G>C (p.Gly165Arg)

Gene: FOXC1 (forkhead box C1; plus strand). Cytogenetic location: 6p25.3.
Variant type: single nucleotide variant.
Coding change: c.493G>C on transcript NM_001453.3 (MANE Select); coding-DNA position 493, G replaced by C.
Protein change: p.Gly165Arg; replaces glycine 165 with arginine.
Molecular consequence: missense variant.
Genome position (GRCh38, 1-based): chr6:1,610,938, G>C. VCF-style: chr6-1610938-G-C. GRCh37 (hg19) VCF-style: chr6-1611173-G-C.
Other names: short protein forms G165R.
Identifiers: ClinVar variation 2734820 (VCV002734820.5), dbSNP rs2480502800, ClinGen allele CA362558951.